The following is an entry in ClinVar:

ClinVar aggregate classification (germline): Uncertain significance. Review status: criteria provided, multiple submitters, no conflicts (2 of 4 stars). 3 submissions from 3 submitters: Uncertain significance (3). Last evaluated 2026-04-02.

Conditions:
Cardiovascular phenotype. Identifiers: MedGen CN230736.
Arrhythmogenic cardiomyopathy with wooly hair and keratoderma. Also called: PALMOPLANTAR KERATODERMA WITH LEFT VENTRICULAR CARDIOMYOPATHY AND WOOLLY HAIR; Dilated cardiomyopathy with woolly hair and keratoderma; Arrhythmogenic cardiomyopathy with woolly hair and keratoderma; Carvajal syndrome. Identifiers: Orphanet 65282, MedGen C1854063, MONDO:0011581, OMIM 605676.
Arrhythmogenic right ventricular dysplasia 8 (ARVD8). Also called: Arrhythmogenic Right Ventricular Dysplasia/Cardiomyopathy 8; ARRHYTHMOGENIC RIGHT VENTRICULAR DYSPLASIA, FAMILIAL, 8; ARRHYTHMOGENIC RIGHT VENTRICULAR CARDIOMYOPATHY 8. Identifiers: MedGen C1843896, MONDO:0011831, OMIM 607450.

Allele frequency attached by ClinVar (database versions not stated): gnomAD exomes below 0.00001 and 0.00001; ExAC 0.00001.
gnomAD v4.1: 4 of 1,613,704 alleles (0.00025%); highest among the groups gnomAD compares: Non-Finnish European, 0.00034%; no homozygotes.

Submissions (3):

Ambry Genetics
Classification: Uncertain significance for Cardiovascular phenotype. Last evaluated: 2026-04-02. Review status: criteria provided, single submitter. Criteria: Ambry Variant Classification Scheme 2023. Collection method: clinical testing. Allele origin: germline.
Comment: The p.S1023R variant (also known as c.3067A>C), located in coding exon 22 of the DSP gene, results from an A to C substitution at nucleotide position 3067. The serine at codon 1023 is replaced by arginine, an amino acid with dissimilar properties. This variant was reported in individual(s) with features consistent with dilated cardiomyopathy (Mazzarotto F et al. Circulation, 2020 Feb;141:387-398). This amino acid position is well conserved in available vertebrate species. In addition, the in silico prediction for this alteration is inconclusive. Based on the available evidence, the clinical significance of this variant remains unclear.

Labcorp Genetics (formerly Invitae), Labcorp
Classification: Uncertain significance for Arrhythmogenic cardiomyopathy with wooly hair and keratoderma; Arrhythmogenic right ventricular dysplasia 8. Last evaluated: 2023-08-04. Review status: criteria provided, single submitter. Criteria: Invitae Variant Classification Sherloc (09022015). Collection method: clinical testing. Allele origin: germline.
Comment: In summary, the available evidence is currently insufficient to determine the role of this variant in disease. Therefore, it has been classified as a Variant of Uncertain Significance. An algorithm developed to predict the effect of missense changes on protein structure and function (PolyPhen-2) suggests that this variant is likely to be disruptive. ClinVar contains an entry for this variant (Variation ID: 575965). This variant has not been reported in the literature in individuals affected with DSP-related conditions. This variant is present in population databases (rs766388963, gnomAD 0.002%). This sequence change replaces serine, which is neutral and polar, with arginine, which is basic and polar, at codon 1023 of the DSP protein (p.Ser1023Arg).

All of Us Research Program, National Institutes of Health
Classification: Uncertain significance for Arrhythmogenic cardiomyopathy with wooly hair and keratoderma. Last evaluated: 2023-05-31. Review status: criteria provided, single submitter. Criteria: ACMG Guidelines, 2015. Collection method: clinical testing. Allele origin: germline. Inheritance: Autosomal dominant inheritance. Observed: 1 variant allele, 1 heterozygote.
Comment: This study involves interpretation of variants in research participants for the purpose of population health screening. Participant phenotype was not available at the time of variant classification. Additional details can be found in publication PMID: 35346344, PMCID: PMC8962531

Literature cited by the submitters: PubMed 31983221 (cited by Ambry Genetics).

NM_004415.4(DSP):c.3067A>C (p.Ser1023Arg)

Gene: DSP (desmoplakin; plus strand). Cytogenetic location: 6p24.3.
Variant type: single nucleotide variant.
Coding change: c.3067A>C on transcript NM_004415.4 (MANE Select); coding-DNA position 3067, A replaced by C.
Protein change: p.Ser1023Arg; replaces serine 1023 with arginine.
Molecular consequence: missense variant.
Genome position (GRCh38, 1-based): chr6:7,578,545, A>C. VCF-style: chr6-7578545-A-C. GRCh37 (hg19) VCF-style: chr6-7578778-A-C.
Other names: c.3067A>C (LRG_423t1); c.3067A>C, p.Ser1023Arg (NM_001008844.3, NM_001319034.2); short protein forms S1023R.
Identifiers: ClinVar variation 575965 (VCV000575965.13), dbSNP rs766388963, ClinGen allele CA036808.
Genomic context (GRCh38, chr6:7,578,545, plus strand): 5'-TACATTGAACTACTTACAAGATCTGGAGACTATTACAGGTTCTTAAGTGAGATGCTGAAG[A>C]GTTTGGAAGATCTGAAGGTAATTTATACTGTCTTTTCTTGTAGCGTCAAAAAAGAAAATA-3'
Protein context (NP_004406.2, residues 1013-1033): YYRFLSEMLK[Ser1023Arg]LEDLKLKNTK